The following is an entry in ClinVar:

NM_199355.4(ADAMTS18):c.1704G>C (p.Leu568Phe)

Gene: ADAMTS18 (ADAM metallopeptidase with thrombospondin type 1 motif 18; minus strand). Cytogenetic location: 16q23.1.
Variant type: single nucleotide variant.
Coding change: c.1704G>C on transcript NM_199355.4 (MANE Select); coding-DNA position 1704, G replaced by C.
Protein change: p.Leu568Phe; replaces leucine 568 with phenylalanine.
Molecular consequence: missense variant.
Genome position (GRCh38, 1-based): chr16:77,341,710, C>G on the plus strand (G>C on the coding strand, the complement: ADAMTS18 is on the minus strand). VCF-style: chr16-77341710-C-G. GRCh37 (hg19) VCF-style: chr16-77375607-C-G.
Other names: c.1188G>C, p.Leu396Phe (NM_001326358.2); short protein forms L396F, L568F.
Identifiers: ClinVar variation 2168927 (VCV002168927.4), dbSNP rs771883432, ClinGen allele CA8181212.

ClinVar aggregate classification (germline): Uncertain significance (1 of 4 stars; one submission).

Allele frequency attached by ClinVar (database versions not stated): ExAC 0.00001; gnomAD 0.00001.
gnomAD v4.1: 5 of 1,613,018 alleles (0.00031%); highest among the groups gnomAD compares: Admixed American, 0.0017%; no homozygotes.

Submission:

Labcorp Genetics (formerly Invitae), Labcorp
Classification: Uncertain significance. Last evaluated: 2022-04-16. Review status: criteria provided, single submitter. Criteria: Invitae Variant Classification Sherloc (09022015). Collection method: clinical testing. Allele origin: germline.
Comment: In summary, the available evidence is currently insufficient to determine the role of this variant in disease. Therefore, it has been classified as a Variant of Uncertain Significance. Algorithms developed to predict the effect of missense changes on protein structure and function are either unavailable or do not agree on the potential impact of this missense change (SIFT: "Not Available"; PolyPhen-2: "Benign"; Align-GVGD: "Not Available"). This variant has not been reported in the literature in individuals affected with ADAMTS18-related conditions. The frequency data for this variant in the population databases is considered unreliable, as metrics indicate poor data quality at this position in the gnomAD database. This sequence change replaces leucine, which is neutral and non-polar, with phenylalanine, which is neutral and non-polar, at codon 568 of the ADAMTS18 protein (p.Leu568Phe).